The following is an entry in ClinVar:

NM_020975.6(RET):c.49C>G (p.Leu17Val)

Gene: RET (ret proto-oncogene; plus strand). Cytogenetic location: 10q11.21.
Variant type: single nucleotide variant.
Coding change: c.49C>G on transcript NM_020975.6 (MANE Select); coding-DNA position 49, C replaced by G.
Protein change: p.Leu17Val; replaces leucine 17 with valine.
Molecular consequence: missense variant.
Genome position (GRCh38, 1-based): chr10:43,077,307, C>G. VCF-style: chr10-43077307-C-G. GRCh37 (hg19) VCF-style: chr10-43572755-C-G.
Other names: c.49C>G, p.Leu17Val (NM_001406744.1, NM_001406759.1, NM_001406760.1 and 36 more transcripts); short protein forms L17V.
Identifiers: ClinVar variation 3944667 (VCV003944667.1).

ClinVar aggregate classification (germline): Uncertain significance (1 of 4 stars; one submission).

Conditions:
Hereditary cancer-predisposing syndrome. Also called: Tumor predisposition; Hereditary neoplastic syndrome; Hereditary Cancer Syndrome; Neoplastic Syndromes, Hereditary. Identifiers: Orphanet 140162, MedGen C0027672, MeSH D009386, MONDO:0015356.

Submission:

Ambry Genetics
Classification: Uncertain significance for Hereditary cancer-predisposing syndrome. Last evaluated: 2025-03-15. Review status: criteria provided, single submitter. Criteria: Ambry Variant Classification Scheme 2023. Collection method: clinical testing. Allele origin: germline.
Comment: The p.L17V variant (also known as c.49C>G), located in coding exon 1 of the RET gene, results from a C to G substitution at nucleotide position 49. The leucine at codon 17 is replaced by valine, an amino acid with highly similar properties. This amino acid position is conserved. In addition, the in silico prediction for this alteration is inconclusive. Based on the available evidence, the clinical significance of this variant remains unclear.